The following is an entry in ClinVar:

ClinVar aggregate classification (germline): Conflicting classifications of pathogenicity. Review status: criteria provided, conflicting classifications (1 of 4 stars). 5 submissions from 5 submitters: Uncertain significance (1); Likely benign (4). Last evaluated 2025-06-16.

Conditions:
Inborn genetic diseases. Identifiers: MedGen C0950123, MeSH D030342.
Coffin-Siris syndrome 1 (CSS1). Also called: ARID1B-Related Coffin-Siris Syndrome; Mental retardation, autosomal dominant 12. Identifiers: Orphanet 1465, MedGen C3281201, MONDO:0007617, OMIM 135900. Disease mechanism: gain of function.

Allele frequency attached by ClinVar (database versions not stated): gnomAD 0.00004 and 0.00006; gnomAD exomes 0.00007.
gnomAD v4.1: 78 of 1,224,466 alleles (0.0064%); highest among the groups gnomAD compares: Non-Finnish European, 0.0075%; no homozygotes.

Submissions (5):

Labcorp Genetics (formerly Invitae), Labcorp
Classification: Likely benign. Last evaluated: 2025-06-16. Review status: criteria provided, single submitter. Criteria: Invitae Variant Classification Sherloc (09022015). Collection method: clinical testing. Allele origin: germline.

Ambry Genetics
Classification: Likely benign for Inborn genetic diseases. Last evaluated: 2021-12-20. Review status: criteria provided, single submitter. Criteria: Ambry Variant Classification Scheme 2023. Collection method: clinical testing. Allele origin: germline.

Genome-Nilou Lab
Classification: Likely benign for Coffin-Siris syndrome 1. Last evaluated: 2021-07-15. Review status: criteria provided, single submitter. Criteria: ACMG Guidelines, 2015. Collection method: clinical testing. Allele origin: germline. Affected: no.

GeneDx
Classification: Likely benign. Last evaluated: 2020-11-04. Review status: criteria provided, single submitter. Criteria: GeneDx Variant Classification Process June 2021. Collection method: clinical testing. Allele origin: germline. Affected: yes.

Baylor Genetics
Classification: Uncertain significance for Coffin-Siris syndrome 1. Last evaluated: 2019-07-12. Review status: criteria provided, single submitter. Criteria: ACMG Guidelines, 2015. Collection method: clinical testing. Allele origin: maternal. Affected: yes.
Comment: This variant was determined to be of uncertain significance according to ACMG Guidelines, 2015 [PMID:25741868].

NM_001374828.1(ARID1B):c.1379G>T (p.Gly460Val)

Gene: ARID1B (AT-rich interaction domain 1B; plus strand). Cytogenetic location: 6q25.3.
Variant type: single nucleotide variant.
Coding change: c.1379G>T on transcript NM_001374828.1 (MANE Select); coding-DNA position 1379, G replaced by T.
Protein change: p.Gly460Val; replaces glycine 460 with valine.
Molecular consequence: missense variant.
Genome position (GRCh38, 1-based): chr6:156,779,059, G>T. VCF-style: chr6-156779059-G-T. GRCh37 (hg19) VCF-style: chr6-157100193-G-T.
Other names: c.1379G>T, p.Gly460Val (NM_001371656.1, NM_001374820.1, NM_017519.3); c.1130G>T (NM_020732.3); short protein forms G460V.
Identifiers: ClinVar variation 1029776 (VCV001029776.16), dbSNP rs1274183370, ClinGen allele CA366384179.
Genomic context (GRCh38, chr6:156,779,059, plus strand): 5'-GCTATGGGGGCTCGTCCGCGGGGTACGGGGTGCTGAGCTCCCCCCGGCAGCAGGGCGGCG[G>T]CATGATGATGGGCCCCGGGGGCGGCGGGGCCGCGAGCCTCAGCAAGGCGGCCGCCGGCTC-3'
Protein context (NP_001361757.1, residues 450-470): VLSSPRQQGG[Gly460Val]MMMGPGGGGA